The following is an entry in ClinVar:

NM_032122.5(DTNBP1):c.620T>C (p.Met207Thr)

Gene: DTNBP1 (dystrobrevin binding protein 1; minus strand). Cytogenetic location: 6p22.3.
Variant type: single nucleotide variant.
Coding change: c.620T>C on transcript NM_032122.5 (MANE Select); coding-DNA position 620, T replaced by C.
Protein change: p.Met207Thr; replaces methionine 207 with threonine.
Molecular consequence: missense variant. On other transcripts: non-coding transcript variant (1).
Genome position (GRCh38, 1-based): chr6:15,533,287, A>G on the plus strand (T>C on the coding strand, the complement: DTNBP1 is on the minus strand). VCF-style: chr6-15533287-A-G. GRCh37 (hg19) VCF-style: chr6-15533518-A-G.
Other names: c.377T>C, p.Met126Thr (NM_001271667.2); c.569T>C, p.Met190Thr (NM_001271668.2); c.515T>C, p.Met172Thr (NM_001271669.2); c.620T>C, p.Met207Thr (NM_183040.2); short protein forms M190T, M207T, M126T, M172T.
Identifiers: ClinVar variation 1426009 (VCV001426009.5), dbSNP rs2127797899, ClinGen allele CA362806871.
Genomic context (GRCh38, chr6:15,533,287, plus strand): 5'-AGCCCCCACTCGCCTCGCCGCTCTGCAATCTGCAGGTAGCCAGTGGACAGGTACTGCTCC[A>G]TGTCCTGCTGGAAGGCTTCCTCAAAAAACTTCTGCCGCTCCTTCAGCTTCATTTGCTGGG-3'
Protein context (NP_115498.2, residues 197-217): KFFEEAFQQD[Met207Thr]EQYLSTGYLQ

ClinVar aggregate classification (germline): Uncertain significance (1 of 4 stars; one submission).

gnomAD v4.1: 1 of 1,614,132 alleles (0.000062%); no homozygotes.

Submission:

Labcorp Genetics (formerly Invitae), Labcorp
Classification: Uncertain significance. Last evaluated: 2022-08-31. Review status: criteria provided, single submitter. Criteria: Invitae Variant Classification Sherloc (09022015). Collection method: clinical testing. Allele origin: germline.
Comment: This sequence change replaces methionine, which is neutral and non-polar, with threonine, which is neutral and polar, at codon 207 of the DTNBP1 protein (p.Met207Thr). This variant is not present in population databases (gnomAD no frequency). This variant has not been reported in the literature in individuals affected with DTNBP1-related conditions. ClinVar contains an entry for this variant (Variation ID: 1426009). Algorithms developed to predict the effect of missense changes on protein structure and function (SIFT, PolyPhen-2, Align-GVGD) all suggest that this variant is likely to be disruptive. In summary, the available evidence is currently insufficient to determine the role of this variant in disease. Therefore, it has been classified as a Variant of Uncertain Significance.